The following is an entry in ClinVar:

ClinVar aggregate classification (germline): Uncertain significance. Review status: criteria provided, multiple submitters, no conflicts (2 of 4 stars). 2 submissions from 2 submitters: Uncertain significance (2). Last evaluated 2024-10-19.

Conditions:
Inborn genetic diseases. Identifiers: MedGen C0950123, MeSH D030342.

Allele frequency attached by ClinVar (database versions not stated): gnomAD 0.00001; ExAC 0.00002; gnomAD exomes 0.00003 and 0.00004.
gnomAD v4.1: 58 of 1,613,804 alleles (0.0036%); highest among the groups gnomAD compares: Middle Eastern, 0.016%; no homozygotes.

Submissions (2):

Ambry Genetics
Classification: Uncertain significance for Inborn genetic diseases. Last evaluated: 2024-10-19. Review status: criteria provided, single submitter. Criteria: Ambry Variant Classification Scheme 2023. Collection method: clinical testing. Allele origin: germline.

Labcorp Genetics (formerly Invitae), Labcorp
Classification: Uncertain significance. Last evaluated: 2022-07-17. Review status: criteria provided, single submitter. Criteria: Invitae Variant Classification Sherloc (09022015). Collection method: clinical testing. Allele origin: germline.
Comment: This sequence change replaces leucine, which is neutral and non-polar, with phenylalanine, which is neutral and non-polar, at codon 120 of the RXYLT1 protein (p.Leu120Phe). This variant is present in population databases (rs752598614, gnomAD 0.005%). This variant has not been reported in the literature in individuals affected with RXYLT1-related conditions. ClinVar contains an entry for this variant (Variation ID: 1404935). Algorithms developed to predict the effect of missense changes on protein structure and function (SIFT, PolyPhen-2, Align-GVGD) all suggest that this variant is likely to be tolerated. In summary, the available evidence is currently insufficient to determine the role of this variant in disease. Therefore, it has been classified as a Variant of Uncertain Significance.

NM_014254.3(RXYLT1):c.360A>T (p.Leu120Phe)

Gene: RXYLT1 (ribitol xylosyltransferase 1; plus strand). Cytogenetic location: 12q14.2.
Variant type: single nucleotide variant.
Coding change: c.360A>T on transcript NM_014254.3 (MANE Select); coding-DNA position 360, A replaced by T.
Protein change: p.Leu120Phe; replaces leucine 120 with phenylalanine.
Molecular consequence: missense variant. On other transcripts: 5 prime UTR variant (1).
Genome position (GRCh38, 1-based): chr12:63,785,004, A>T. VCF-style: chr12-63785004-A-T. GRCh37 (hg19) VCF-style: chr12-64178784-A-T.
Other names: c.-421A>T (NM_001278237.2); c.360A>T (NM_014254.1); short protein forms L120F.
Identifiers: ClinVar variation 1404935 (VCV001404935.6), dbSNP rs752598614, ClinGen allele CA6666079.